The following is an entry in ClinVar:

NM_000070.3(CAPN3):c.53G>A (p.Arg18Gln)

Gene: CAPN3 (calpain 3; plus strand). Cytogenetic location: 15q15.1.
Variant type: single nucleotide variant.
Coding change: c.53G>A on transcript NM_000070.3 (MANE Select); coding-DNA position 53, G replaced by A.
Protein change: p.Arg18Gln; replaces arginine 18 with glutamine.
Molecular consequence: missense variant.
Genome position (GRCh38, 1-based): chr15:42,359,858, G>A. VCF-style: chr15-42359858-G-A. GRCh37 (hg19) VCF-style: chr15-42652056-G-A.
Other names: c.53G>A, p.Arg18Gln (NM_024344.2, NM_173087.2); short protein forms R18Q.
Identifiers: ClinVar variation 567245 (VCV000567245.8), dbSNP rs1375691407, ClinGen allele CA391994052.
Genomic context (GRCh38, chr15:42,359,858, plus strand): 5'-CACTTGCCATGCCGACCGTCATTAGCGCATCTGTGGCTCCAAGGACAGCGGCTGAGCCCC[G>A]GTCCCCAGGGCCAGTTCCTCACCCGGCCCAGAGCAAGGCCACTGAGGCTGGGGGTGGAAA-3'
Protein context (NP_000061.1, residues 8-28): SVAPRTAAEP[Arg18Gln]SPGPVPHPAQ

ClinVar aggregate classification (germline): Uncertain significance. Review status: criteria provided, multiple submitters, no conflicts (2 of 4 stars). 4 submissions from 4 submitters: Uncertain significance (3). 1 of the submissions does not count toward it. Last evaluated 2025-06-23.

Conditions:
Autosomal recessive limb-girdle muscular dystrophy type 2A (LGMDR1). Also called: Limb-girdle muscular dystrophy, type 2A; Muscular dystrophy, limb-girdle, type 2A, Amish; Calpainopathy; LEYDEN-MOEBIUS MUSCULAR DYSTROPHY; MUSCULAR DYSTROPHY, PELVOFEMORAL. Identifiers: Orphanet 267, MedGen C1869123, MONDO:0009675, OMIM 253600. Disease mechanism: loss of function.
Muscular dystrophy, limb-girdle, autosomal dominant 4. Also called: MUSCULAR DYSTROPHY, LIMB-GIRDLE, TYPE 1I; Calpain-3-related limb-girdle muscular dystrophy D4. Identifiers: Orphanet 565909, MedGen C4748295, MONDO:0029133, OMIM 618129.

Allele frequency attached by ClinVar (database versions not stated): gnomAD exomes below 0.00001; gnomAD 0.00001 and 0.00003; TOPMed 0.00001; 1000 Genomes Project 30x 0.00016.
gnomAD v4.1: 30 of 1,614,112 alleles (0.0019%); highest among the groups gnomAD compares: Middle Eastern, 0.017%; no homozygotes.

Submissions (4):

Labcorp Genetics (formerly Invitae), Labcorp
Classification: Uncertain significance for Autosomal recessive limb-girdle muscular dystrophy type 2A. Last evaluated: 2025-06-23. Review status: criteria provided, single submitter. Criteria: Invitae Variant Classification Sherloc (09022015). Collection method: clinical testing. Allele origin: germline.
Comment: This sequence change replaces arginine, which is basic and polar, with glutamine, which is neutral and polar, at codon 18 of the CAPN3 protein (p.Arg18Gln). This variant is present in population databases (no rsID available, gnomAD no frequency). This variant has not been reported in the literature in individuals affected with CAPN3-related conditions. ClinVar contains an entry for this variant (Variation ID: 567245). Invitae Evidence Modeling of protein sequence and biophysical properties (such as structural, functional, and spatial information, amino acid conservation, physicochemical variation, residue mobility, and thermodynamic stability) has been performed for this missense variant. However, the output from this modeling did not meet the statistical confidence thresholds required to predict the impact of this variant on CAPN3 protein function. In summary, the available evidence is currently insufficient to determine the role of this variant in disease. Therefore, it has been classified as a Variant of Uncertain Significance.

Revvity Omics, Revvity
Classification: Uncertain significance. Last evaluated: 2024-04-16. Review status: criteria provided, single submitter. Criteria: ACMG Guidelines, 2015. Collection method: clinical testing. Allele origin: germline.

Fulgent Genetics
Classification: Uncertain significance for Autosomal recessive limb-girdle muscular dystrophy type 2A; Muscular dystrophy, limb-girdle, autosomal dominant 4. Last evaluated: 2021-09-23. Review status: criteria provided, single submitter. Criteria: ACMG Guidelines, 2015. Collection method: clinical testing. Allele origin: unknown.

Natera, Inc.
Classification: Uncertain significance for Limb-girdle muscular dystrophy type 2A. Last evaluated: 2020-09-16. Review status: no assertion criteria provided. Collection method: clinical testing. Allele origin: germline. Not counted in ClinVar's aggregate classification.